The following is an entry in ClinVar:

ClinVar aggregate classification (germline): Benign/Likely benign. Review status: criteria provided, multiple submitters, no conflicts (2 of 4 stars). 6 submissions from 6 submitters: Benign (1); Likely benign (4). 1 of the submissions does not count toward it. Last evaluated 2025-12-16.

Conditions:
Intellectual disability, X-linked 102 (MRXSSB). Also called: Intellectual developmental disorder, X-linked syndromic, Snijders Blok type. Identifiers: Orphanet 457260, MedGen C5393299, MONDO:0010497, OMIM 300958.
DDX3X-related disorder. Also called: DDX3X-related condition.

Allele frequency attached by ClinVar (database versions not stated): ExAC 0.00007; gnomAD exomes 0.00010 and 0.00013; 1000 Genomes Project 0.00026; gnomAD 0.00026; TOPMed 0.00033; ESP Exome Variant Server 0.00038; 1000 Genomes Project 30x 0.00042.
gnomAD v4.1: 136 of 1,209,769 alleles (0.011%); highest among the groups gnomAD compares: African/African-American, 0.059%; no homozygotes.

Submissions (6):

Labcorp Genetics (formerly Invitae), Labcorp
Classification: Benign. Last evaluated: 2025-12-16. Review status: criteria provided, single submitter. Criteria: Invitae Variant Classification Sherloc (09022015). Collection method: clinical testing. Allele origin: germline.

Blueprint Genetics
Classification: Likely benign. Last evaluated: 2024-11-13. Review status: criteria provided, single submitter. Criteria: ACMG Guidelines, 2015. Collection method: clinical testing. Allele origin: germline.

CeGaT Center for Human Genetics Tuebingen
Classification: Likely benign. Last evaluated: 2023-05-01. Review status: criteria provided, single submitter. Criteria: CeGaT Center For Human Genetics Tuebingen Variant Classification Criteria Version 2. Collection method: clinical testing. Allele origin: germline. Affected: yes. Observed: 1 variant allele.
Comment: DDX3X: BP4, BP7, BS2

Fulgent Genetics
Classification: Likely benign for Intellectual disability, X-linked 102. Last evaluated: 2021-08-10. Review status: criteria provided, single submitter. Criteria: ACMG Guidelines, 2015. Collection method: clinical testing. Allele origin: unknown.

GeneDx
Classification: Likely benign. Last evaluated: 2021-04-29. Review status: criteria provided, single submitter. Criteria: GeneDx Variant Classification Process June 2021. Collection method: clinical testing. Allele origin: germline. Affected: yes.

PreventionGenetics, part of Exact Sciences
Classification: Likely benign for DDX3X-related condition. Last evaluated: 2023-04-26. Review status: no assertion criteria provided. Collection method: clinical testing. Allele origin: germline. Not counted in ClinVar's aggregate classification.
Comment: This variant is classified as likely benign based on ACMG/AMP sequence variant interpretation guidelines (Richards et al. 2015 PMID: 25741868, with internal and published modifications).

NM_001356.5(DDX3X):c.1434G>A (p.Arg478=)

Gene: DDX3X (DEAD-box helicase 3 X-linked; plus strand). Cytogenetic location: Xp11.4.
Variant type: single nucleotide variant.
Coding change: c.1434G>A on transcript NM_001356.5 (MANE Select); coding-DNA position 1434, G replaced by A.
Protein change: p.Arg478=; no amino-acid change (arginine 478 retained).
Molecular consequence: synonymous variant. On other transcripts: non-coding transcript variant (1).
Genome position (GRCh38, 1-based): chrX:41,346,347, G>A. VCF-style: chrX-41346347-G-A. GRCh37 (hg19) VCF-style: chrX-41205600-G-A.
Other names: c.1434G>A, p.Arg478= (NM_001193416.3); c.1386G>A, p.Arg462= (NM_001193417.3); c.876G>A, p.Arg292= (NM_001363819.1).
Identifiers: ClinVar variation 736076 (VCV000736076.38), dbSNP rs186110059, ClinGen allele CA10389631.
Genomic context (GRCh38, chrX:41,346,347, plus strand): 5'-GGATTTCTTATACCATGAAGGATACGCATGTACCAGCATCCATGGAGACCGTTCTCAGAG[G>A]GATAGAGAAGAGGCCCTTCACCAGTTCCGCTCAGGAAAAAGCCCAATTTTAGTGGCTACA-3'
Protein context (NP_001347.3, residues 468-488): CTSIHGDRSQ[Arg478=]DREEALHQFR